The following is an entry in ClinVar:

NM_001378418.1(TCF20):c.3184G>A (p.Ala1062Thr)

Gene: TCF20 (transcription factor 20; minus strand). Cytogenetic location: 22q13.2.
Variant type: single nucleotide variant.
Coding change: c.3184G>A on transcript NM_001378418.1 (MANE Select); coding-DNA position 3184, G replaced by A.
Protein change: p.Ala1062Thr; replaces alanine 1062 with threonine.
Molecular consequence: missense variant.
Genome position (GRCh38, 1-based): chr22:42,212,122, C>T on the plus strand (G>A on the coding strand, the complement: TCF20 is on the minus strand). VCF-style: chr22-42212122-C-T. GRCh37 (hg19) VCF-style: chr22-42608128-C-T.
Other names: c.3184G>A, p.Ala1062Thr (NM_005650.4, NM_181492.3); short protein forms A1062T.
Identifiers: ClinVar variation 5018303 (VCV005018303.1).

ClinVar aggregate classification (germline): Uncertain significance (1 of 4 stars; one submission).

Submission:

GeneDx
Classification: Uncertain significance. Last evaluated: 2026-04-09. Review status: criteria provided, single submitter. Criteria: GeneDx Variant Classification Process June 2021. Collection method: clinical testing. Allele origin: germline.
Comment: Not observed at significant frequency in large population cohorts (gnomAD); In silico analysis suggests that this missense variant does not alter protein structure/function; Has not been previously published as pathogenic or benign to our knowledge